The following is an entry in ClinVar:

NM_000540.3(RYR1):c.6789C>T (p.Ile2263=)

Gene: RYR1 (ryanodine receptor 1; plus strand). Cytogenetic location: 19q13.2.
Variant type: single nucleotide variant.
Coding change: c.6789C>T on transcript NM_000540.3 (MANE Select); coding-DNA position 6789, C replaced by T.
Protein change: p.Ile2263=; no amino-acid change (isoleucine 2263 retained).
Molecular consequence: synonymous variant.
Genome position (GRCh38, 1-based): chr19:38,496,534, C>T. VCF-style: chr19-38496534-C-T. GRCh37 (hg19) VCF-style: chr19-38987174-C-T.
Other names: c.6789C>T, p.Ile2263= (NM_001042723.2).
Identifiers: ClinVar variation 385977 (VCV000385977.19), dbSNP rs112051106, ClinGen allele CA068673.

ClinVar aggregate classification (germline): Likely benign. Review status: criteria provided, multiple submitters, no conflicts (2 of 4 stars). 6 submissions from 6 submitters: Likely benign (6). Last evaluated 2025-10-04.

Conditions:
RYR1-related disorder. Also called: RYR1-related condition; RYR1-related disorders. Identifiers: MedGen CN239331.
Malignant hyperthermia, susceptibility to, 1 (MHS1). Also called: Malignant hyperthermia suceptibility 1; Anesthesia related hyperthermia; Malignant hyperpyrexia; Fulminating hyperpyrexia; Pharmacogenic myopathy; RYR1-Related Malignant Hyperthermia Susceptibility. Identifiers: Orphanet 423, MedGen C2930980, MONDO:0007783, OMIM 145600.

Allele frequency attached by ClinVar (database versions not stated): ExAC 0.00001; gnomAD 0.00002 and 0.00005; gnomAD exomes 0.00002 and 0.00003; TOPMed 0.00007; ESP Exome Variant Server 0.00008.
gnomAD v4.1: 56 of 1,613,240 alleles (0.0035%); highest among the groups gnomAD compares: East Asian, 0.047%; no homozygotes.

Submissions (6):

Labcorp Genetics (formerly Invitae), Labcorp
Classification: Likely benign for RYR1-related disorder. Last evaluated: 2025-10-04. Review status: criteria provided, single submitter. Criteria: Invitae Variant Classification Sherloc (09022015). Collection method: clinical testing. Allele origin: germline.

CeGaT Center for Human Genetics Tuebingen
Classification: Likely benign. Last evaluated: 2025-03-01. Review status: criteria provided, single submitter. Criteria: CeGaT Center For Human Genetics Tuebingen Variant Classification Criteria Version 2. Collection method: clinical testing. Allele origin: germline. Affected: yes. Observed: 1 variant allele.
Comment: RYR1: BP4, BP7

Blueprint Genetics
Classification: Likely benign. Last evaluated: 2023-12-28. Review status: criteria provided, single submitter. Criteria: ACMG Guidelines, 2015. Collection method: clinical testing. Allele origin: germline.

All of Us Research Program, National Institutes of Health
Classification: Likely benign for Malignant hyperthermia, susceptibility to, 1. Last evaluated: 2023-12-13. Review status: criteria provided, single submitter. Criteria: ACMG Guidelines, 2015. Collection method: clinical testing. Allele origin: germline. Inheritance: Autosomal dominant inheritance. Observed: 7 variant alleles, 7 heterozygotes.
Comment: This study involves interpretation of variants in research participants for the purpose of population health screening. Participant phenotype was not available at the time of variant classification. Additional details can be found in publication PMID: 35346344, PMCID: PMC8962531

Color Diagnostics, LLC DBA Color Health
Classification: Likely benign for Malignant hyperthermia, susceptibility to, 1. Last evaluated: 2022-11-06. Review status: criteria provided, single submitter. Criteria: ACMG Guidelines, 2015. Collection method: clinical testing. Allele origin: germline.

GeneDx
Classification: Likely benign. Last evaluated: 2020-04-29. Review status: criteria provided, single submitter. Criteria: GeneDx Variant Classification Process June 2021. Collection method: clinical testing. Allele origin: germline. Affected: yes.